The following is an entry in ClinVar:

NM_001282531.3(ADNP):c.1069G>A (p.Val357Ile)

Gene: ADNP (activity dependent neuroprotector homeobox; minus strand). Cytogenetic location: 20q13.13.
Variant type: single nucleotide variant.
Coding change: c.1069G>A on transcript NM_001282531.3 (MANE Select); coding-DNA position 1069, G replaced by A.
Protein change: p.Val357Ile; replaces valine 357 with isoleucine.
Molecular consequence: missense variant.
Genome position (GRCh38, 1-based): chr20:50,893,645, C>T on the plus strand (G>A on the coding strand, the complement: ADNP is on the minus strand). VCF-style: chr20-50893645-C-T. GRCh37 (hg19) VCF-style: chr20-49510182-C-T.
Other names: c.1069G>A, p.Val357Ile (NM_001282532.2, NM_001347511.2, NM_015339.5 and 1 more transcripts); short protein forms V357I.
Identifiers: ClinVar variation 2004794 (VCV002004794.4), dbSNP rs2515587526, ClinGen allele CA408974671.

ClinVar aggregate classification (germline): Uncertain significance (1 of 4 stars; one submission).

Submission:

Labcorp Genetics (formerly Invitae), Labcorp
Classification: Uncertain significance. Last evaluated: 2022-06-11. Review status: criteria provided, single submitter. Criteria: Invitae Variant Classification Sherloc (09022015). Collection method: clinical testing. Allele origin: germline.
Comment: In summary, the available evidence is currently insufficient to determine the role of this variant in disease. Therefore, it has been classified as a Variant of Uncertain Significance. Algorithms developed to predict the effect of missense changes on protein structure and function are either unavailable or do not agree on the potential impact of this missense change (SIFT: "Not Available"; PolyPhen-2: "Possibly Damaging"; Align-GVGD: "Not Available"). This variant has not been reported in the literature in individuals affected with ADNP-related conditions. This variant is not present in population databases (gnomAD no frequency). This sequence change replaces valine, which is neutral and non-polar, with isoleucine, which is neutral and non-polar, at codon 357 of the ADNP protein (p.Val357Ile).